The following is an entry in ClinVar:

NM_004387.4(NKX2-5):c.495C>T (p.Ala165=)

Gene: NKX2-5 (NK2 homeobox 5; minus strand). Cytogenetic location: 5q35.1.
Variant type: single nucleotide variant.
Coding change: c.495C>T on transcript NM_004387.4 (MANE Select); coding-DNA position 495, C replaced by T.
Protein change: p.Ala165=; no amino-acid change (alanine 165 retained).
Molecular consequence: synonymous variant. On other transcripts: 3 prime UTR variant (2).
Genome position (GRCh38, 1-based): chr5:173,233,049, G>A on the plus strand (C>T on the coding strand, the complement: NKX2-5 is on the minus strand). VCF-style: chr5-173233049-G-A. GRCh37 (hg19) VCF-style: chr5-172660052-G-A.
Other names: c.*448C>T (NM_001166175.2); c.*294C>T (NM_001166176.2).
Identifiers: ClinVar variation 1744391 (VCV001744391.3), dbSNP rs1409304719, ClinGen allele CA447975121.

ClinVar aggregate classification (germline): Likely benign. Review status: criteria provided, multiple submitters, no conflicts (2 of 4 stars). 2 submissions from 2 submitters: Likely benign (2). Last evaluated 2025-08-28.

Conditions:
NKX2-5-related disorder. Also called: NKX2-5-related condition.
Cardiovascular phenotype. Identifiers: MedGen CN230736.

Allele frequency attached by ClinVar (database versions not stated): gnomAD exomes below 0.00001.
gnomAD v4.1: 1 of 1,605,302 alleles (0.000062%); highest among the groups gnomAD compares: African/African-American, 0.0013%; no homozygotes.

Submissions (2):

PreventionGenetics, part of Exact Sciences
Classification: Likely benign for NKX2-5-related condition. Last evaluated: 2025-08-28. Review status: criteria provided, single submitter. Criteria: ACMG Guidelines, 2015. Collection method: clinical testing. Allele origin: germline.
Comment: This variant is classified as likely benign based on ACMG/AMP sequence variant interpretation guidelines (Richards et al. 2015 PMID: 25741868, with internal and published modifications).

Ambry Genetics
Classification: Likely benign for Cardiovascular phenotype. Last evaluated: 2020-02-02. Review status: criteria provided, single submitter. Criteria: Ambry Variant Classification Scheme 2023. Collection method: clinical testing. Allele origin: germline.